The following is an entry in ClinVar:

ClinVar aggregate classification (germline): Pathogenic (1 of 4 stars; one submission).

Submission:

GeneDx
Classification: Pathogenic. Last evaluated: 2026-02-02. Review status: criteria provided, single submitter. Criteria: GeneDx Variant Classification Process June 2021. Collection method: clinical testing. Allele origin: germline.
Comment: Not observed at significant frequency in large population cohorts (gnomAD); Frameshift variant predicted to result in protein truncation or nonsense mediated decay in a gene for which loss of function is a known mechanism of disease; This variant is associated with the following publications: (PMID: 32667677, 29150909)

NM_000088.4(COL1A1):c.2426dup (p.Ala811fs)

Gene: COL1A1 (collagen type I alpha 1 chain; minus strand). Cytogenetic location: 17q21.33.
Variant type: Duplication.
Coding change: c.2426dup on transcript NM_000088.4 (MANE Select); coding-DNA position 2426, one base duplicated (G; older notation c.2426dupG).
Protein change: p.Ala811fs; shifts the reading frame from alanine 811.
Molecular consequence: frameshift variant.
Genome position (GRCh38, 1-based): chr17:50,190,352, C duplicated on the plus strand (G on the coding strand, the reverse complement: COL1A1 is on the minus strand); the first of 2 consecutive C bases (chr17:50,190,352-50,190,353); duplicating either gives the same sequence. VCF-style (leftmost placement, unchanged base first): chr17-50190351-G-GC. GRCh37 (hg19) VCF-style: chr17-48267712-G-GC.
Other names: c.2426dup (NM_000088.3); short protein forms A811fs.
Identifiers: ClinVar variation 3573496 (VCV003573496.2).